The following is an entry in ClinVar:

NM_000260.4(MYO7A):c.4063C>T (p.His1355Tyr)

Gene: MYO7A (myosin VIIA; plus strand). Cytogenetic location: 11q13.5.
Variant type: single nucleotide variant.
Coding change: c.4063C>T on transcript NM_000260.4 (MANE Select); coding-DNA position 4063, C replaced by T.
Protein change: p.His1355Tyr; replaces histidine 1355 with tyrosine.
Molecular consequence: missense variant.
Genome position (GRCh38, 1-based): chr11:77,192,189, C>T. VCF-style: chr11-77192189-C-T. GRCh37 (hg19) VCF-style: chr11-76903234-C-T.
Other names: c.4063C>T, p.His1355Tyr (NM_001127180.2); c.4030C>T, p.His1344Tyr (NM_001369365.1); short protein forms H1344Y, H1355Y.
Identifiers: ClinVar variation 3011856 (VCV003011856.3), dbSNP rs371123250, ClinGen allele CA6198305.
Genomic context (GRCh38, chr11:77,192,189, plus strand): 5'-GCCCAGGAGCGCAACGCCCCCTGGAGGCTCTTCTTCCGCAAAGAGGTCTTCACGCCCTGG[C>T]ACAGCCCCTCCGAGGACAACGTGGCCACCAACCTCATCTACCAGCAGGTGGTGCGAGGAG-3'
Protein context (NP_000251.3, residues 1345-1365): FFRKEVFTPW[His1355Tyr]SPSEDNVATN

ClinVar aggregate classification (germline): Uncertain significance (1 of 4 stars; one submission).

Allele frequency attached by ClinVar (database versions not stated): ExAC 0.00001; TOPMed 0.00001; gnomAD 0.00002; ESP Exome Variant Server 0.00008.
gnomAD v4.1: 3 of 1,613,946 alleles (0.00019%); highest among the groups gnomAD compares: African/African-American, 0.004%; no homozygotes.

Submission:

Labcorp Genetics (formerly Invitae), Labcorp
Classification: Uncertain significance. Last evaluated: 2023-10-15. Review status: criteria provided, single submitter. Criteria: Invitae Variant Classification Sherloc (09022015). Collection method: clinical testing. Allele origin: germline.
Comment: This sequence change replaces histidine, which is basic and polar, with tyrosine, which is neutral and polar, at codon 1355 of the MYO7A protein (p.His1355Tyr). This variant is present in population databases (rs371123250, gnomAD 0.008%). This variant has not been reported in the literature in individuals affected with MYO7A-related conditions. Advanced modeling of protein sequence and biophysical properties (such as structural, functional, and spatial information, amino acid conservation, physicochemical variation, residue mobility, and thermodynamic stability) performed at Invitae indicates that this missense variant is not expected to disrupt MYO7A protein function. In summary, the available evidence is currently insufficient to determine the role of this variant in disease. Therefore, it has been classified as a Variant of Uncertain Significance.